The following is an entry in ClinVar:

NM_001009944.3(PKD1):c.8356A>G (p.Lys2786Glu)

Gene: PKD1 (polycystin 1, transient receptor potential channel interacting; minus strand). Cytogenetic location: 16p13.3.
Variant type: single nucleotide variant.
Coding change: c.8356A>G on transcript NM_001009944.3 (MANE Select); coding-DNA position 8356, A replaced by G.
Protein change: p.Lys2786Glu; replaces lysine 2786 with glutamic acid.
Molecular consequence: missense variant.
Genome position (GRCh38, 1-based): chr16:2,103,701, T>C on the plus strand (A>G on the coding strand, the complement: PKD1 is on the minus strand). VCF-style: chr16-2103701-T-C. GRCh37 (hg19) VCF-style: chr16-2153702-T-C.
Other names: c.8356A>G, p.Lys2786Glu (NM_000296.4); short protein forms K2786E.
Identifiers: ClinVar variation 3253558 (VCV003253558.2), dbSNP rs2544745289.

ClinVar aggregate classification (germline): Conflicting classifications of pathogenicity. Review status: criteria provided, conflicting classifications (1 of 4 stars). 2 submissions from 2 submitters: Likely pathogenic (1); Uncertain significance (1). Last evaluated 2025-05-22.

Conditions:
PKD1-related disorder. Also called: PKD1-related condition.

Submissions (2):

PreventionGenetics, part of Exact Sciences
Classification: Likely pathogenic for PKD1-related condition. Last evaluated: 2025-05-22. Review status: criteria provided, single submitter. Criteria: ACMG Guidelines, 2015. Collection method: clinical testing. Allele origin: germline.
Comment: The PKD1 c.8356A>G variant is predicted to result in the amino acid substitution p.Lys2786Glu. This variant was reported in individuals with autosomal dominant polycystic kidney disease (ADPKD) (Table S3, Hwang et al. 2016. PubMed ID: 26453610; Table S1, Kimura et al. 2023. PubMed ID: 37509056; Yuan et al. 2024. PubMed ID: 38670396). In Yuan et al. study, this variant was found to co-segregate with disease in a family with four affected individuals of two generations. This variant has not been reported in a large population database (gnomAD), indicating this variant is rare. This variant is interpreted as likely pathogenic.

GeneDx
Classification: Uncertain significance. Last evaluated: 2023-12-29. Review status: criteria provided, single submitter. Criteria: GeneDx Variant Classification Process June 2021. Collection method: clinical testing. Allele origin: germline. Affected: yes.
Comment: Not observed at significant frequency in large population cohorts (gnomAD); In silico analysis supports that this missense variant does not alter protein structure/function; This variant is associated with the following publications: (PMID: 26453610)